The following is an entry in ClinVar:

ClinVar aggregate classification (germline): Conflicting classifications of pathogenicity. Review status: criteria provided, conflicting classifications (1 of 4 stars). 8 submissions from 8 submitters: Uncertain significance (6); Benign (1). 1 of the submissions does not count toward it. Last evaluated 2026-01-31.

Conditions:
Juvenile polyposis syndrome (JPS). Identifiers: Orphanet 2929, MedGen C0345893, MONDO:0017380, OMIM 174900.
Hereditary cancer-predisposing syndrome. Also called: Neoplastic Syndromes, Hereditary; Tumor predisposition; Hereditary neoplastic syndrome; Hereditary Cancer Syndrome. Identifiers: Orphanet 140162, MedGen C0027672, MeSH D009386, MONDO:0015356.
Polyposis syndrome, hereditary mixed, 2. Identifiers: Orphanet 157794, MedGen C1864730, MONDO:0012405, OMIM 610069.

Allele frequency attached by ClinVar (database versions not stated): TOPMed 0.00001; gnomAD exomes 0.00002 and 0.00003; ExAC 0.00002.
gnomAD v4.1: 11 of 1,614,194 alleles (0.00068%); highest among the groups gnomAD compares: Admixed American, 0.018%; no homozygotes.

Submissions (8):

Labcorp Genetics (formerly Invitae), Labcorp
Classification: Uncertain significance for Juvenile polyposis syndrome. Last evaluated: 2026-01-31. Review status: criteria provided, single submitter. Criteria: Invitae Variant Classification Sherloc (09022015). Collection method: clinical testing. Allele origin: germline.
Comment: This sequence change replaces phenylalanine, which is neutral and non-polar, with serine, which is neutral and polar, at codon 146 of the BMPR1A protein (p.Phe146Ser). This variant is present in population databases (rs587778112, gnomAD 0.03%). This variant has not been reported in the literature in individuals affected with BMPR1A-related conditions. ClinVar contains an entry for this variant (Variation ID: 133718). Invitae Evidence Modeling incorporating data from in vitro experimental studies (internal data) indicates that this missense variant is not expected to disrupt BMPR1A function with a negative predictive value of 95%. In summary, the available evidence is currently insufficient to determine the role of this variant in disease. Therefore, it has been classified as a Variant of Uncertain Significance.

Quest Diagnostics Nichols Institute San Juan Capistrano
Classification: Uncertain significance. Last evaluated: 2025-04-15. Review status: criteria provided, single submitter. Criteria: Quest Diagnostics criteria. Collection method: clinical testing. Allele origin: unknown.
Comment: The BMPR1A c.437T>C (p.Phe146Ser) variant has been identified in the published literature in a reportedly unaffected individual (PMID: 24728327 (2014)). The frequency of this variant in the general population (Genome Aggregation Database) is higher than would generally be expected for pathogenic variants in this gene. Analysis of this variant using bioinformatics tools for the prediction of the effect of amino acid changes on protein structure and function yielded predictions that this variant is benign. Based on the available information, we are unable to determine the clinical significance of this variant.

All of Us Research Program, National Institutes of Health
Classification: Uncertain significance for Juvenile polyposis syndrome. Last evaluated: 2024-08-06. Review status: criteria provided, single submitter. Criteria: ACMG Guidelines, 2015. Collection method: clinical testing. Allele origin: germline. Inheritance: Autosomal dominant inheritance. Observed: 5 variant alleles, 5 heterozygotes.
Comment: This missense variant replaces phenylalanine with serine at codon 146 of the BMPR1A protein. Computational prediction suggests that this variant may not impact protein structure and function (internally defined REVEL score threshold <= 0.5, PMID: 27666373). To our knowledge, functional studies have not been reported for this variant. This variant has not been reported in individuals affected with BMPR1A-related disorders in the literature. This variant has been identified in 8/251362 chromosomes in the general population by the Genome Aggregation Database (gnomAD). The available evidence is insufficient to determine the role of this variant in disease conclusively. Therefore, this variant is classified as a Variant of Uncertain Significance.

This study involves interpretation of variants in research participants for the purpose of population health screening. Participant phenotype was not available at the time of variant classification. Additional details can be found in publication PMID: 35346344, PMCID: PMC8962531

Color Diagnostics, LLC DBA Color Health
Classification: Uncertain significance for Hereditary cancer-predisposing syndrome. Last evaluated: 2024-03-06. Review status: criteria provided, single submitter. Criteria: ACMG Guidelines, 2015. Collection method: clinical testing. Allele origin: germline.
Comment: This missense variant replaces phenylalanine with serine at codon 146 of the BMPR1A protein. Computational prediction suggests that this variant may not impact protein structure and function (internally defined REVEL score threshold <= 0.5, PMID: 27666373). To our knowledge, functional studies have not been reported for this variant. This variant has not been reported in individuals affected with BMPR1A-related disorders in the literature. This variant has been identified in 8/251362 chromosomes in the general population by the Genome Aggregation Database (gnomAD). The available evidence is insufficient to determine the role of this variant in disease conclusively. Therefore, this variant is classified as a Variant of Uncertain Significance.

GeneDx
Classification: Uncertain significance. Last evaluated: 2024-02-12. Review status: criteria provided, single submitter. Criteria: GeneDx Variant Classification Process June 2021. Collection method: clinical testing. Allele origin: germline.
Comment: In silico analysis supports that this missense variant does not alter protein structure/function; Has not been previously published as pathogenic or benign to our knowledge; This variant is associated with the following publications: (PMID: 24728327)

Baylor Genetics
Classification: Uncertain significance for Polyposis syndrome, hereditary mixed, 2. Last evaluated: 2023-10-16. Review status: criteria provided, single submitter. Criteria: ACMG Guidelines, 2015. Collection method: clinical testing. Allele origin: unknown.

Ambry Genetics
Classification: Benign for Hereditary cancer-predisposing syndrome. Last evaluated: 2021-06-22. Review status: criteria provided, single submitter. Criteria: Ambry Variant Classification Scheme 2023. Collection method: clinical testing. Allele origin: germline.

ITMI
No classification provided. Condition: AllHighlyPenetrant. Last evaluated: 2013-09-19. Review status: no classification provided. Collection method: reference population. Allele origin: germline. Not counted in ClinVar's aggregate classification.
Comment: Please see associated publication for description of ethnicities

Literature cited by the submitters: PubMed 24728327 (cited by 3 submitters).

NM_004329.3(BMPR1A):c.437T>C (p.Phe146Ser)

Gene: BMPR1A (bone morphogenetic protein receptor type 1A; plus strand). Cytogenetic location: 10q23.2.
Variant type: single nucleotide variant.
Coding change: c.437T>C on transcript NM_004329.3 (MANE Select); coding-DNA position 437, T replaced by C.
Protein change: p.Phe146Ser; replaces phenylalanine 146 with serine.
Molecular consequence: missense variant.
Genome position (GRCh38, 1-based): chr10:86,900,033, T>C. VCF-style: chr10-86900033-T-C. GRCh37 (hg19) VCF-style: chr10-88659790-T-C.
Other names: short protein forms F146S.
Identifiers: ClinVar variation 133718 (VCV000133718.22), dbSNP rs587778112, ClinGen allele CA157465.
Genomic context (GRCh38, chr10:86,900,033, plus strand): 5'-ACGTCAGATTATTTTTTCATTTCAATTGTTTACATTGTTTACTTTTATTGTCAGGTCCGT[T>C]TTTTGATGGCAGCATTCGATGGCTGGTTTTGCTCATTTCTATGGCTGTCTGCATAATTGC-3'
Protein context (NP_004320.2, residues 136-156): PTLPPVVIGP[Phe146Ser]FDGSIRWLVL